The following is an entry in ClinVar:

NM_002227.4(JAK1):c.1832C>T (p.Thr611Ile)

Genes: JAK1 (Janus kinase 1; minus strand), LOC126805749 (BRD4-independent group 4 enhancer GRCh37_chr1:65312286-65313485; plus strand). Cytogenetic location: 1p31.3.
Variant type: single nucleotide variant.
Coding change: c.1832C>T on transcript NM_002227.4 (MANE Select); coding-DNA position 1832, C replaced by T.
Protein change: p.Thr611Ile; replaces threonine 611 with isoleucine.
Molecular consequence: missense variant.
Genome position (GRCh38, 1-based): chr1:64,847,599, G>A on the plus strand (C>T on the coding strand, the complement: JAK1 is on the minus strand). VCF-style: chr1-64847599-G-A. GRCh37 (hg19) VCF-style: chr1-65313282-G-A.
Other names: c.1832C>T, p.Thr611Ile (NM_001320923.2, NM_001321852.2, NM_001321853.2 and 3 more transcripts); c.1829C>T, p.Thr610Ile (NM_001321857.2); c.1832C>T (NM_002227.2); short protein forms T611I, T610I.
Identifiers: ClinVar variation 2983141 (VCV002983141.4), dbSNP rs761936174, ClinGen allele CA892828.

ClinVar aggregate classification (germline): Uncertain significance. Review status: criteria provided, multiple submitters, no conflicts (2 of 4 stars). 2 submissions from 2 submitters: Uncertain significance (2). Last evaluated 2025-09-16.

Conditions:
Inborn genetic diseases. Identifiers: MedGen C0950123, MeSH D030342.

Allele frequency attached by ClinVar (database versions not stated): gnomAD 0.00001; ExAC 0.00001; gnomAD exomes 0.00001.
gnomAD v4.1: 15 of 1,614,010 alleles (0.00093%); highest among the groups gnomAD compares: South Asian, 0.016%; no homozygotes.

Submissions (2):

Labcorp Genetics (formerly Invitae), Labcorp
Classification: Uncertain significance. Last evaluated: 2025-09-16. Review status: criteria provided, single submitter. Criteria: Invitae Variant Classification Sherloc (09022015). Collection method: clinical testing. Allele origin: germline.
Comment: This sequence change replaces threonine, which is neutral and polar, with isoleucine, which is neutral and non-polar, at codon 611 of the JAK1 protein (p.Thr611Ile). This variant is present in population databases (rs761936174, gnomAD 0.02%). This variant has not been reported in the literature in individuals affected with JAK1-related conditions. ClinVar contains an entry for this variant (Variation ID: 2983141). Invitae Evidence Modeling of protein sequence and biophysical properties (such as structural, functional, and spatial information, amino acid conservation, physicochemical variation, residue mobility, and thermodynamic stability) indicates that this missense variant is not expected to disrupt JAK1 protein function with a negative predictive value of 80%. In summary, the available evidence is currently insufficient to determine the role of this variant in disease. Therefore, it has been classified as a Variant of Uncertain Significance.

Ambry Genetics
Classification: Uncertain significance for Inborn genetic diseases. Last evaluated: 2025-04-25. Review status: criteria provided, single submitter. Criteria: Ambry Variant Classification Scheme 2023. Collection method: clinical testing. Allele origin: germline.